The following is an entry in ClinVar:

ClinVar aggregate classification (germline): Likely benign (1 of 4 stars; one submission).

Submission:

CeGaT Center for Human Genetics Tuebingen
Classification: Likely benign. Last evaluated: 2025-06-01. Review status: criteria provided, single submitter. Criteria: CeGaT Center For Human Genetics Tuebingen Variant Classification Criteria Version 2. Collection method: clinical testing. Allele origin: germline. Affected: yes. Observed: 1 variant allele.
Comment: NBEA: PM2:Supporting, BP4, BP7

NM_001385012.1(NBEA):c.444T>C (p.Val148=)

Gene: NBEA (neurobeachin; plus strand). Cytogenetic location: 13q13.3.
Variant type: single nucleotide variant.
Coding change: c.444T>C on transcript NM_001385012.1 (MANE Select); coding-DNA position 444, T replaced by C.
Protein change: p.Val148=; no amino-acid change (valine 148 retained).
Molecular consequence: synonymous variant.
Genome position (GRCh38, 1-based): chr13:35,041,082, T>C. VCF-style: chr13-35041082-T-C. GRCh37 (hg19) VCF-style: chr13-35615219-T-C.
Other names: c.444T>C, p.Val148= (NM_001379245.1, NM_015678.5).
Identifiers: ClinVar variation 4085019 (VCV004085019.8).